The following is an entry in ClinVar:

ClinVar aggregate classification (germline): Likely pathogenic (1 of 4 stars; one submission).

Submission:

Labcorp Genetics (formerly Invitae), Labcorp
Classification: Likely pathogenic. Last evaluated: 2023-08-23. Review status: criteria provided, single submitter. Criteria: Invitae Variant Classification Sherloc (09022015). Collection method: clinical testing. Allele origin: germline.
Comment: This sequence change affects a donor splice site in intron 4 of the RORB gene. It is expected to disrupt RNA splicing. Variants that disrupt the donor or acceptor splice site typically lead to a loss of protein function (PMID: 16199547), and loss-of-function variants in RORB are known to be pathogenic (PMID: 27352968). This variant is not present in population databases (gnomAD no frequency). This variant has not been reported in the literature in individuals affected with RORB-related conditions. Algorithms developed to predict the effect of sequence changes on RNA splicing suggest that this variant may disrupt the consensus splice site. In summary, the currently available evidence indicates that the variant is pathogenic, but additional data are needed to prove that conclusively. Therefore, this variant has been classified as Likely Pathogenic.

Literature cited by the submitters: PubMed 16199547; PubMed 27352968.

NM_006914.4(RORB):c.637+2T>A

Gene: RORB (RAR related orphan receptor B; plus strand). Cytogenetic location: 9q21.13.
Variant type: single nucleotide variant.
Coding change: c.637+2T>A on transcript NM_006914.4 (MANE Select); the canonical splice donor site of the intron after coding-DNA position 637, T replaced by A.
Molecular consequence: splice donor variant.
Genome position (GRCh38, 1-based): chr9:74,642,817, T>A. VCF-style: chr9-74642817-T-A. GRCh37 (hg19) VCF-style: chr9-77257733-T-A.
Other names: c.670+2T>A (NM_001365023.1).
Identifiers: ClinVar variation 2754515 (VCV002754515.3), dbSNP rs2489584914, ClinGen allele CA373770300.